The following is an entry in ClinVar:

ClinVar aggregate classification (germline): Pathogenic (1 of 4 stars; one submission).

Conditions:
Early-infantile DEE. Also called: Ohtahara syndrome; Early infantile epileptic encephalopathy; Early infantile epileptic encephalopathy with suppression bursts. Identifiers: Orphanet 1934, MedGen C0393706, MONDO:0800491.

Submission:

Labcorp Genetics (formerly Invitae), Labcorp
Classification: Pathogenic for Early-infantile DEE. Last evaluated: 2024-10-23. Review status: criteria provided, single submitter. Criteria: Invitae Variant Classification Sherloc (09022015). Collection method: clinical testing. Allele origin: germline.
Comment: This sequence change creates a premature translational stop signal (p.Phe912Leufs*23) in the SCN1A gene. It is expected to result in an absent or disrupted protein product. Loss-of-function variants in SCN1A are known to be pathogenic (PMID: 17347258, 18930999). This variant is not present in population databases (gnomAD no frequency). This variant has not been reported in the literature in individuals affected with SCN1A-related conditions. ClinVar contains an entry for this variant (Variation ID: 1389149). For these reasons, this variant has been classified as Pathogenic.

Literature cited by the submitters: PubMed 17347258; PubMed 18930999.

NM_001165963.4(SCN1A):c.2736del (p.Phe912fs)

Gene: SCN1A (sodium voltage-gated channel alpha subunit 1; minus strand). Cytogenetic location: 2q24.3.
Variant type: Deletion.
Coding change: c.2736del on transcript NM_001165963.4 (MANE Select); coding-DNA position 2736, one base deleted (T; older notation c.2736delT).
Protein change: p.Phe912fs; shifts the reading frame from phenylalanine 912.
Molecular consequence: frameshift variant. On other transcripts: non-coding transcript variant (1).
Genome position (GRCh38, 1-based): chr2:166,037,986, A deleted on the plus strand (T on the coding strand, the reverse complement: SCN1A is on the minus strand); the first of 3 consecutive A bases (chr2:166,037,986-166,037,988); deleting any one gives the same sequence. VCF-style (leftmost placement, unchanged base first): chr2-166037985-CA-C. GRCh37 (hg19) VCF-style: chr2-166894495-CA-C.
Other names: c.2652del, p.Phe884fs (NM_001165964.3, NM_001353957.2, NM_001353958.2); c.2736del, p.Phe912fs (NM_001202435.3, NM_001353948.2); c.2703del, p.Phe901fs (NM_001353949.2, NM_001353950.2, NM_001353951.2 and 2 more transcripts); c.2700del, p.Phe900fs (NM_001353954.2, NM_001353955.2); c.2649del, p.Phe883fs (NM_001353960.2); c.294del, p.Phe98fs (NM_001353961.2); short protein forms F900fs, F883fs, F884fs, F912fs, F901fs, F98fs.
Identifiers: ClinVar variation 1389149 (VCV001389149.7), dbSNP rs2105807547, ClinGen allele CA2573133527.